The following is an entry in ClinVar:

NM_003482.4(KMT2D):c.9703A>G (p.Lys3235Glu)

Gene: KMT2D (lysine methyltransferase 2D; minus strand). Cytogenetic location: 12q13.12.
Variant type: single nucleotide variant.
Coding change: c.9703A>G on transcript NM_003482.4 (MANE Select); coding-DNA position 9703, A replaced by G.
Protein change: p.Lys3235Glu; replaces lysine 3235 with glutamic acid.
Molecular consequence: missense variant.
Genome position (GRCh38, 1-based): chr12:49,037,653, T>C on the plus strand (A>G on the coding strand, the complement: KMT2D is on the minus strand). VCF-style: chr12-49037653-T-C. GRCh37 (hg19) VCF-style: chr12-49431436-T-C.
Other names: short protein forms K3235E.
Identifiers: ClinVar variation 4849116 (VCV004849116.2).

ClinVar aggregate classification (germline): Uncertain significance. Review status: criteria provided, multiple submitters, no conflicts (2 of 4 stars). 2 submissions from 2 submitters: Uncertain significance (2). Last evaluated 2026-04-24.

Submissions (2):

Women's Health and Genetics/Laboratory Corporation of America, LabCorp
Classification: Uncertain significance. Last evaluated: 2026-04-24. Review status: criteria provided, single submitter. Criteria: LabCorp Variant Classification Summary - May 2015. Collection method: clinical testing. Allele origin: germline.
Comment: Variant summary: KMT2D c.9703A>G (p.Lys3235Glu) results in a conservative amino acid change in the encoded protein sequence. Algorithms developed to predict the effect of missense changes on protein structure and function are either unavailable or do not agree on the potential impact of this missense change. The variant was absent in 195800 control chromosomes. The available data on variant occurrences in the general population are insufficient to allow any conclusion about variant significance. To our knowledge, no occurrence of c.9703A>G in individuals affected with KMT2D-related conditions and no experimental evidence demonstrating its impact on protein function have been reported. No submitters have cited clinical-significance assessments for this variant to ClinVar. Based on the evidence outlined above, the variant was classified as uncertain significance.

GeneDx
Classification: Uncertain significance. Last evaluated: 2026-04-11. Review status: criteria provided, single submitter. Criteria: GeneDx Variant Classification Process June 2021. Collection method: clinical testing. Allele origin: germline.
Comment: Not observed at significant frequency in large population cohorts (gnomAD); In silico analysis suggests that this missense variant does not alter protein structure/function; Has not been previously published as pathogenic or benign to our knowledge